The following is an entry in ClinVar:

NM_000214.3(JAG1):c.3331A>G (p.Thr1111Ala)

Gene: JAG1 (jagged canonical Notch ligand 1; minus strand). Cytogenetic location: 20p12.2.
Variant type: single nucleotide variant.
Coding change: c.3331A>G on transcript NM_000214.3 (MANE Select); coding-DNA position 3331, A replaced by G.
Protein change: p.Thr1111Ala; replaces threonine 1111 with alanine.
Molecular consequence: missense variant.
Genome position (GRCh38, 1-based): chr20:10,639,824, T>C on the plus strand (A>G on the coding strand, the complement: JAG1 is on the minus strand). VCF-style: chr20-10639824-T-C. GRCh37 (hg19) VCF-style: chr20-10620472-T-C.
Other names: short protein forms T1111A.
Identifiers: ClinVar variation 2133769 (VCV002133769.4), dbSNP rs2514506566, ClinGen allele CA408243353.

ClinVar aggregate classification (germline): Uncertain significance (1 of 4 stars; one submission).

Conditions:
Alagille syndrome due to a JAG1 point mutation. Also called: HEPATIC DUCTULAR HYPOPLASIA, SYNDROMATIC; JAG1-Related Alagille Syndrome; Alagille Syndrome 1. Identifiers: Orphanet 261619, Orphanet 52, MedGen C1956125, MONDO:0016862, OMIM 118450.

Submission:

Labcorp Genetics (formerly Invitae), Labcorp
Classification: Uncertain significance for Alagille syndrome due to a JAG1 point mutation. Last evaluated: 2022-05-04. Review status: criteria provided, single submitter. Criteria: Invitae Variant Classification Sherloc (09022015). Collection method: clinical testing. Allele origin: germline.
Comment: In summary, the available evidence is currently insufficient to determine the role of this variant in disease. Therefore, it has been classified as a Variant of Uncertain Significance. Advanced modeling of protein sequence and biophysical properties (such as structural, functional, and spatial information, amino acid conservation, physicochemical variation, residue mobility, and thermodynamic stability) performed at Invitae indicates that this missense variant is not expected to disrupt JAG1 protein function. This variant has not been reported in the literature in individuals affected with JAG1-related conditions. This variant is not present in population databases (gnomAD no frequency). This sequence change replaces threonine, which is neutral and polar, with alanine, which is neutral and non-polar, at codon 1111 of the JAG1 protein (p.Thr1111Ala).